The following is an entry in ClinVar:

ClinVar aggregate classification (germline): Uncertain significance (1 of 4 stars; one submission).

Submission:

CeGaT Center for Human Genetics Tuebingen
Classification: Uncertain significance. Last evaluated: 2023-04-01. Review status: criteria provided, single submitter. Criteria: CeGaT Center For Human Genetics Tuebingen Variant Classification Criteria Version 2. Collection method: clinical testing. Allele origin: germline. Affected: yes. Observed: 1 variant allele.
Comment: MYB: PM2, PP2

NM_001130173.2(MYB):c.533A>G (p.Asp178Gly)

Gene: MYB (MYB proto-oncogene, transcription factor; plus strand). Cytogenetic location: 6q23.3.
Variant type: single nucleotide variant.
Coding change: c.533A>G on transcript NM_001130173.2 (MANE Select); coding-DNA position 533, A replaced by G.
Protein change: p.Asp178Gly; replaces aspartic acid 178 with glycine.
Molecular consequence: missense variant. On other transcripts: non-coding transcript variant (8).
Genome position (GRCh38, 1-based): chr6:135,192,329, A>G. VCF-style: chr6-135192329-A-G. GRCh37 (hg19) VCF-style: chr6-135513467-A-G.
Other names: c.533A>G, p.Asp178Gly (NM_001130172.2, NM_001161656.2, NM_001161657.2 and 4 more transcripts); short protein forms D178G.
Identifiers: ClinVar variation 2571261 (VCV002571261.27), dbSNP rs2482446206, ClinGen allele CA365735441.
Genomic context (GRCh38, chr6:135,192,329, plus strand): 5'-TTAATCTGAATTGAAATTTTTGTTTGTGAAATTTGTGTGATATATTTCTGTGCAGAACTG[A>G]TAATGCTATCAAGAACCACTGGAATTCTACAATGCGTCGGAAGGTCGAACAGGAAGGTTA-3'
Protein context (NP_001123645.1, residues 168-188): EIAKLLPGRT[Asp178Gly]NAIKNHWNST